The following is an entry in ClinVar:

ClinVar aggregate classification (germline): Conflicting classifications of pathogenicity. Review status: criteria provided, conflicting classifications (1 of 4 stars). 3 submissions from 3 submitters: Uncertain significance (1); Likely benign (2). Last evaluated 2024-12-12.

Conditions:
Inborn genetic diseases. Identifiers: MedGen C0950123, MeSH D030342.
Deafness-lymphedema-leukemia syndrome. Also called: Lymphedema, primary, with myelodysplasia; Emberger syndrome. Identifiers: Orphanet 3226, MedGen C3279664, MONDO:0013540, OMIM 614038.
Monocytopenia with susceptibility to infections. Also called: MONOCYTOPENIA AND MYCOBACTERIAL INFECTION SYNDROME; COMBINED IMMUNODEFICIENCY WITH SUSCEPTIBILITY TO MYCOBACTERIAL, VIRAL, AND FUNGAL INFECTIONS; IMMUNODEFICIENCY 21; GATA2 DEFICIENCY; MONOCYTOPENIA WITH SUSCEPTIBILITY TO MYCOBACTERIAL, FUNGAL, AND PAPILLOMAVIRUS INFECTIONS AND MYELODYSPLASIA; Dendritic cell, monocyte, B lymphocyte, and natural killer lymphocyte deficiency. Identifiers: Orphanet 228423, MedGen C3280030, MONDO:0013607, OMIM 614172.

Allele frequency attached by ClinVar (database versions not stated): TOPMed below 0.00001.
gnomAD v4.1: 1 of 1,613,990 alleles (0.000062%); highest among the groups gnomAD compares: Non-Finnish European, 0.000085%; no homozygotes.

Submissions (3):

Ambry Genetics
Classification: Likely benign for Inborn genetic diseases. Last evaluated: 2024-12-12. Review status: criteria provided, single submitter. Criteria: Ambry Variant Classification Scheme 2023. Collection method: clinical testing. Allele origin: germline.

GeneDx
Classification: Uncertain significance. Last evaluated: 2023-10-05. Review status: criteria provided, single submitter. Criteria: GeneDx Variant Classification Process June 2021. Collection method: clinical testing. Allele origin: germline. Affected: yes.
Comment: Not observed at significant frequency in large population cohorts (gnomAD); In silico analysis supports that this variant does not alter splicing; Has not been previously published as pathogenic or benign to our knowledge

Labcorp Genetics (formerly Invitae), Labcorp
Classification: Likely benign for Monocytopenia with susceptibility to infections; Deafness-lymphedema-leukemia syndrome. Last evaluated: 2023-08-03. Review status: criteria provided, single submitter. Criteria: Invitae Variant Classification Sherloc (09022015). Collection method: clinical testing. Allele origin: germline.

NM_032638.5(GATA2):c.1356C>T (p.Ile452=)

Gene: GATA2 (GATA binding protein 2; minus strand). Cytogenetic location: 3q21.3.
Variant type: single nucleotide variant.
Coding change: c.1356C>T on transcript NM_032638.5 (MANE Select); coding-DNA position 1356, C replaced by T.
Protein change: p.Ile452=; no amino-acid change (isoleucine 452 retained).
Molecular consequence: synonymous variant.
Genome position (GRCh38, 1-based): chr3:128,481,106, G>A on the plus strand (C>T on the coding strand, the complement: GATA2 is on the minus strand). VCF-style: chr3-128481106-G-A. GRCh37 (hg19) VCF-style: chr3-128199949-G-A.
Other names: c.1356C>T, p.Ile452= (NM_001145661.2); c.1314C>T, p.Ile438= (NM_001145662.1).
Identifiers: ClinVar variation 701911 (VCV000701911.12), dbSNP rs1576744250, ClinGen allele CA435524410.